The following is an entry in ClinVar:

NM_004064.5(CDKN1B):c.232G>A (p.Glu78Lys)

Gene: CDKN1B (cyclin dependent kinase inhibitor 1B; plus strand). Cytogenetic location: 12p13.1.
Variant type: single nucleotide variant.
Coding change: c.232G>A on transcript NM_004064.5 (MANE Select); coding-DNA position 232, G replaced by A.
Protein change: p.Glu78Lys; replaces glutamic acid 78 with lysine.
Molecular consequence: missense variant.
Genome position (GRCh38, 1-based): chr12:12,718,071, G>A. VCF-style: chr12-12718071-G-A. GRCh37 (hg19) VCF-style: chr12-12871005-G-A.
Other names: c.232G>A (NM_004064.3); short protein forms E78K.
Identifiers: ClinVar variation 1036742 (VCV001036742.9), dbSNP rs1946491741, ClinGen allele CA383969677.

ClinVar aggregate classification (germline): Uncertain significance. Review status: criteria provided, multiple submitters, no conflicts (2 of 4 stars). 2 submissions from 2 submitters: Uncertain significance (2). Last evaluated 2024-08-22.

Conditions:
Hereditary cancer-predisposing syndrome. Also called: Neoplastic Syndromes, Hereditary; Hereditary Cancer Syndrome; Tumor predisposition; Hereditary neoplastic syndrome. Identifiers: Orphanet 140162, MedGen C0027672, MeSH D009386, MONDO:0015356.
Multiple endocrine neoplasia type 4. Also called: MULTIPLE ENDOCRINE NEOPLASIA, TYPE IV. Identifiers: Orphanet 276152, MedGen C1970712, MONDO:0012552, OMIM 610755.

Submissions (2):

Ambry Genetics
Classification: Uncertain significance for Hereditary cancer-predisposing syndrome. Last evaluated: 2024-08-22. Review status: criteria provided, single submitter. Criteria: Ambry Variant Classification Scheme 2023. Collection method: clinical testing. Allele origin: germline.
Comment: The p.E78K variant (also known as c.232G>A), located in coding exon 1 of the CDKN1B gene, results from a G to A substitution at nucleotide position 232. The glutamic acid at codon 78 is replaced by lysine, an amino acid with similar properties. This amino acid position is not well conserved in available vertebrate species. In addition, this alteration is predicted to be tolerated by in silico analysis. Based on the available evidence, the clinical significance of this variant remains unclear.

Labcorp Genetics (formerly Invitae), Labcorp
Classification: Uncertain significance for Multiple endocrine neoplasia type 4. Last evaluated: 2023-04-14. Review status: criteria provided, single submitter. Criteria: Invitae Variant Classification Sherloc (09022015). Collection method: clinical testing. Allele origin: germline.
Comment: This variant is not present in population databases (gnomAD no frequency). This sequence change replaces glutamic acid, which is acidic and polar, with lysine, which is basic and polar, at codon 78 of the CDKN1B protein (p.Glu78Lys). This variant has not been reported in the literature in individuals affected with CDKN1B-related conditions. In summary, the available evidence is currently insufficient to determine the role of this variant in disease. Therefore, it has been classified as a Variant of Uncertain Significance. An algorithm developed to predict the effect of missense changes on protein structure and function (PolyPhen-2) suggests that this variant is likely to be tolerated. ClinVar contains an entry for this variant (Variation ID: 1036742).